The following is an entry in ClinVar:

ClinVar aggregate classification (germline): Uncertain significance. Review status: criteria provided, multiple submitters, no conflicts (2 of 4 stars). 2 submissions from 2 submitters: Uncertain significance (2). Last evaluated 2026-09-15.

Conditions:
RP1L1-related disorder. Also called: RP1L1-related condition.

Allele frequency attached by ClinVar (database versions not stated): gnomAD 0.00001; TOPMed 0.00001; ExAC 0.00008; gnomAD exomes 0.00009.
gnomAD v4.1: 70 of 1,613,980 alleles (0.0043%); highest among the groups gnomAD compares: South Asian, 0.053%; 4 homozygotes.

Submissions (2):

PreventionGenetics, part of Exact Sciences
Classification: Uncertain significance for RP1L1-related condition. Last evaluated: 2026-09-15. Review status: criteria provided, single submitter. Criteria: ACMG Guidelines, 2015. Collection method: clinical testing. Allele origin: germline.
Comment: The RP1L1 c.149G>A variant is predicted to result in the amino acid substitution p.Arg50His. To our knowledge, this variant has not been reported in the literature. This variant is reported in 0.052% of alleles in individuals of South Asian descent in gnomAD, which may be too frequent to be a primary cause of disease. Although we suspect that this variant may be benign, at this time, the clinical significance of this variant is uncertain due to the absence of conclusive functional and genetic evidence.

Labcorp Genetics (formerly Invitae), Labcorp
Classification: Uncertain significance. Last evaluated: 2025-08-11. Review status: criteria provided, single submitter. Criteria: Invitae Variant Classification Sherloc (09022015). Collection method: clinical testing. Allele origin: germline.
Comment: This sequence change replaces arginine, which is basic and polar, with histidine, which is basic and polar, at codon 50 of the RP1L1 protein (p.Arg50His). This variant is present in population databases (rs756576372, gnomAD 0.05%). This variant has not been reported in the literature in individuals affected with RP1L1-related conditions. ClinVar contains an entry for this variant (Variation ID: 1407168). Invitae Evidence Modeling of protein sequence and biophysical properties (such as structural, functional, and spatial information, amino acid conservation, physicochemical variation, residue mobility, and thermodynamic stability) indicates that this missense variant is not expected to disrupt RP1L1 protein function with a negative predictive value of 80%. In summary, the available evidence is currently insufficient to determine the role of this variant in disease. Therefore, it has been classified as a Variant of Uncertain Significance.

NM_178857.6(RP1L1):c.149G>A (p.Arg50His)

Gene: RP1L1 (RP1 like 1). Cytogenetic location: 8p23.1.
Variant type: single nucleotide variant.
Coding change: c.149G>A on transcript NM_178857.6 (MANE Select); coding-DNA position 149, G replaced by A.
Protein change: p.Arg50His; replaces arginine 50 with histidine.
Molecular consequence: missense variant.
Genome position (GRCh38, 1-based): chr8:10,623,053, C>T on the plus strand (G>A on the coding strand, the complement: RP1L1 is on the minus strand). VCF-style: chr8-10623053-C-T. GRCh37 (hg19) VCF-style: chr8-10480563-C-T.
Other names: c.149G>A (NM_178857.5); short protein forms R50H.
Identifiers: ClinVar variation 1407168 (VCV001407168.8), dbSNP rs756576372, ClinGen allele CA4625853.